The following is an entry in ClinVar:

ClinVar aggregate classification (germline): Uncertain significance (1 of 4 stars; one submission).

gnomAD v4.1: 2 of 1,360,686 alleles (0.00015%); highest among the groups gnomAD compares: Non-Finnish European, 0.00019%; no homozygotes.

Submission:

Labcorp Genetics (formerly Invitae), Labcorp
Classification: Uncertain significance. Last evaluated: 2023-04-06. Review status: criteria provided, single submitter. Criteria: Invitae Variant Classification Sherloc (09022015). Collection method: clinical testing. Allele origin: germline.
Comment: This sequence change replaces alanine, which is neutral and non-polar, with valine, which is neutral and non-polar, at codon 12 of the P2RX2 protein (p.Ala12Val). This variant is not present in population databases (gnomAD no frequency). This variant has not been reported in the literature in individuals affected with P2RX2-related conditions. Algorithms developed to predict the effect of missense changes on protein structure and function output the following: SIFT: "Not Available"; PolyPhen-2: "Benign"; Align-GVGD: "Not Available". The valine amino acid residue is found in multiple mammalian species, which suggests that this missense change does not adversely affect protein function. In summary, the available evidence is currently insufficient to determine the role of this variant in disease. Therefore, it has been classified as a Variant of Uncertain Significance.

NM_170682.4(P2RX2):c.35C>T (p.Ala12Val)

Gene: P2RX2 (purinergic receptor P2X 2; plus strand). Cytogenetic location: 12q24.33.
Variant type: single nucleotide variant.
Coding change: c.35C>T on transcript NM_170682.4 (MANE Select); coding-DNA position 35, C replaced by T.
Protein change: p.Ala12Val; replaces alanine 12 with valine.
Molecular consequence: missense variant.
Genome position (GRCh38, 1-based): chr12:132,618,851, C>T. VCF-style: chr12-132618851-C-T. GRCh37 (hg19) VCF-style: chr12-133195437-C-T.
Other names: c.35C>T, p.Ala12Val (NM_001282164.2, NM_001282165.2, NM_012226.5 and 4 more transcripts); short protein forms A12V.
Identifiers: ClinVar variation 2852889 (VCV002852889.3), dbSNP rs772335034, ClinGen allele CA387356592.